The following is an entry in ClinVar:

NM_001277115.2(DNAH11):c.695C>T (p.Pro232Leu)

Gene: DNAH11 (dynein axonemal heavy chain 11; plus strand). Cytogenetic location: 7p15.3.
Variant type: single nucleotide variant.
Coding change: c.695C>T on transcript NM_001277115.2 (MANE Select); coding-DNA position 695, C replaced by T.
Protein change: p.Pro232Leu; replaces proline 232 with leucine.
Molecular consequence: missense variant.
Genome position (GRCh38, 1-based): chr7:21,559,605, C>T. VCF-style: chr7-21559605-C-T. GRCh37 (hg19) VCF-style: chr7-21599223-C-T.
Other names: short protein forms P232L.
Identifiers: ClinVar variation 359598 (VCV000359598.14), dbSNP rs200454446, ClinGen allele CA4178761.

ClinVar aggregate classification (germline): Conflicting classifications of pathogenicity. Review status: criteria provided, conflicting classifications (1 of 4 stars). 4 submissions from 4 submitters: Uncertain significance (1); Likely benign (1). 2 of the submissions do not count toward it. Last evaluated 2022-08-08.

Conditions:
Primary ciliary dyskinesia. Also called: Ciliary dyskinesia. Identifiers: Orphanet 244, MedGen C0008780, MONDO:0016575, HP:0012265.

Allele frequency attached by ClinVar (database versions not stated): TOPMed 0.00054; gnomAD 0.00070; ESP Exome Variant Server 0.00076.
gnomAD v4.1: 1,635 of 1,596,810 alleles (0.1%); highest among the groups gnomAD compares: Non-Finnish European, 0.13%; 1 homozygote.

Submissions (4):

Labcorp Genetics (formerly Invitae), Labcorp
Classification: Uncertain significance for Primary ciliary dyskinesia. Last evaluated: 2022-08-08. Review status: criteria provided, single submitter. Criteria: Invitae Variant Classification Sherloc (09022015). Collection method: clinical testing. Allele origin: germline.
Comment: This sequence change replaces proline, which is neutral and non-polar, with leucine, which is neutral and non-polar, at codon 232 of the DNAH11 protein (p.Pro232Leu). This variant is present in population databases (rs200454446, gnomAD 0.08%). This variant has not been reported in the literature in individuals affected with DNAH11-related conditions. ClinVar contains an entry for this variant (Variation ID: 359598). Algorithms developed to predict the effect of missense changes on protein structure and function output the following: SIFT: "Tolerated"; PolyPhen-2: "Benign"; Align-GVGD: "Class C0". The leucine amino acid residue is found in multiple mammalian species, which suggests that this missense change does not adversely affect protein function. In summary, the available evidence is currently insufficient to determine the role of this variant in disease. Therefore, it has been classified as a Variant of Uncertain Significance.

Ambry Genetics
Classification: Likely benign for Primary ciliary dyskinesia. Last evaluated: 2021-07-14. Review status: criteria provided, single submitter. Criteria: Ambry Variant Classification Scheme 2023. Collection method: clinical testing. Allele origin: germline.

Clinical Genetics DNA and cytogenetics Diagnostics Lab, Erasmus MC, Erasmus Medical Center
Classification: Likely benign. Review status: no assertion criteria provided. Collection method: clinical testing. Allele origin: germline. Affected: yes. Study: VKGL Data-share Consensus. Not counted in ClinVar's aggregate classification.

Laboratory of Diagnostic Genome Analysis, Leiden University Medical Center (LUMC)
Classification: Likely benign. Review status: no assertion criteria provided. Collection method: clinical testing. Allele origin: germline. Affected: yes. Study: VKGL Data-share Consensus. Not counted in ClinVar's aggregate classification.